The following is an entry in ClinVar:

ClinVar aggregate classification (germline): Benign. Review status: criteria provided, multiple submitters, no conflicts (2 of 4 stars). 11 submissions from 11 submitters: Benign (8). 3 of the submissions do not count toward it. Last evaluated 2026-02-04.

Conditions:
Usher syndrome type 2C. Also called: Usher syndrome, type 2B; USHER SYNDROME, TYPE IIC. Identifiers: Orphanet 231178, Orphanet 886, MedGen C2931213, MONDO:0011558, OMIM 605472.

Allele frequency attached by ClinVar (database versions not stated): ESP Exome Variant Server 0.18921; 1000 Genomes Project 0.27676; TOPMed 0.20838; 1000 Genomes Project 30x 0.27155.
gnomAD v4.1: 238,262 of 1,612,926 alleles (15%); highest among the groups gnomAD compares: East Asian, 38%; 21,177 homozygotes.

Submissions (11):

Labcorp Genetics (formerly Invitae), Labcorp
Classification: Benign. Last evaluated: 2026-02-04. Review status: criteria provided, single submitter. Criteria: Invitae Variant Classification Sherloc (09022015). Collection method: clinical testing. Allele origin: germline.

Genome-Nilou Lab
Classification: Benign for Usher syndrome type 2C. Last evaluated: 2021-08-10. Review status: criteria provided, single submitter. Criteria: ACMG Guidelines, 2015. Collection method: clinical testing. Allele origin: germline. Affected: no.

Mayo Clinic Laboratories, Mayo Clinic
Classification: Benign. Last evaluated: 2020-12-04. Review status: criteria provided, single submitter. Criteria: ACMG Guidelines, 2015. Collection method: clinical testing. Allele origin: germline. Observed: 45 variant alleles.

Illumina Laboratory Services, Illumina
Classification: Benign for Usher syndrome type 2C. Last evaluated: 2018-01-12. Review status: criteria provided, single submitter. Criteria: ICSL Variant Classification Criteria 13 December 2019. Collection method: clinical testing. Allele origin: germline.
Comment: This variant was observed in the ICSL laboratory as part of a predisposition screen in an ostensibly healthy population. It had not been previously curated by ICSL or reported in the Human Gene Mutation Database (HGMD: prior to June 1st, 2018), and was therefore a candidate for classification through an automated scoring system. Utilizing variant allele frequency, disease prevalence and penetrance estimates, and inheritance mode, an automated score was calculated to assess if this variant is too frequent to cause the disease. Based on the score and internal cut-off values, a variant classified as benign is not then subjected to further curation. The score for this variant resulted in a classification of benign for this disease.

Eurofins Ntd Llc (ga)
Classification: Benign. Last evaluated: 2014-04-25. Review status: criteria provided, single submitter. Criteria: EGL Classification Definitions 2015. Collection method: clinical testing. Allele origin: germline. Observed: 3 variant alleles, 3 heterozygotes.

GeneDx
Classification: Benign. Last evaluated: 2013-01-08. Review status: criteria provided, single submitter. Criteria: GeneDx Variant Classification (06012015). Collection method: clinical testing. Allele origin: germline. Affected: yes.
Comment: This variant is considered likely benign or benign based on one or more of the following criteria: it is a conservative change, it occurs at a poorly conserved position in the protein, it is predicted to be benign by multiple in silico algorithms, and/or has population frequency not consistent with disease.

Laboratory for Molecular Medicine, Mass General Brigham Personalized Medicine
Classification: Benign. Last evaluated: 2011-02-01. Review status: criteria provided, single submitter. Criteria: LMM Criteria. Collection method: clinical testing. Allele origin: germline. Observed: 549 variant alleles.
Comment: Asn1985Asp in exon 28 of GPR98: This variant is not expected to have clinical si gnificance because it is listed in dbSNP with a heterozygous frequency of 10-34% (rs41303352).

PreventionGenetics, part of Exact Sciences
Classification: Benign. Review status: criteria provided, single submitter. Criteria: ACMG Guidelines, 2015. Collection method: clinical testing. Allele origin: germline.

Diagnostic Laboratory, Department of Genetics, University Medical Center Groningen
Classification: Benign. Review status: no assertion criteria provided. Collection method: clinical testing. Allele origin: germline. Affected: yes. Study: VKGL Data-share Consensus. Not counted in ClinVar's aggregate classification.

Genetic Services Laboratory, University of Chicago
Classification: Likely benign. Review status: no assertion criteria provided. Collection method: clinical testing. Allele origin: germline. Inheritance: Autosomal dominant inheritance. Not counted in ClinVar's aggregate classification.
Comment: Likely benign based on allele frequency in 1000 Genomes Project or ESP global frequency and its presence in a patient with a rare or unrelated disease phenotype. NOT Sanger confirmed

Joint Genome Diagnostic Labs from Nijmegen and Maastricht, Radboudumc and MUMC+
Classification: Benign. Review status: no assertion criteria provided. Collection method: clinical testing. Allele origin: germline. Affected: yes. Study: VKGL Data-share Consensus. Not counted in ClinVar's aggregate classification.

NM_032119.4(ADGRV1):c.5953A>G (p.Asn1985Asp)

Gene: ADGRV1 (adhesion G protein-coupled receptor V1; plus strand). Cytogenetic location: 5q14.3.
Variant type: single nucleotide variant.
Coding change: c.5953A>G on transcript NM_032119.4 (MANE Select); coding-DNA position 5953, A replaced by G.
Protein change: p.Asn1985Asp; replaces asparagine 1985 with aspartic acid.
Molecular consequence: missense variant. On other transcripts: non-coding transcript variant (1).
Genome position (GRCh38, 1-based): chr5:90,683,874, A>G. VCF-style: chr5-90683874-A-G. GRCh37 (hg19) VCF-style: chr5-89979691-A-G.
Other names: p.N1985D:AAC>GAC; short protein forms N1985D.
Identifiers: ClinVar variation 46344 (VCV000046344.32), dbSNP rs41303352, ClinGen allele CA138159.